The following is an entry in ClinVar:

NM_000540.3(RYR1):c.12316G>C (p.Glu4106Gln)

Gene: RYR1 (ryanodine receptor 1; plus strand). Cytogenetic location: 19q13.2.
Variant type: single nucleotide variant.
Coding change: c.12316G>C on transcript NM_000540.3 (MANE Select); coding-DNA position 12316, G replaced by C.
Protein change: p.Glu4106Gln; replaces glutamic acid 4106 with glutamine.
Molecular consequence: missense variant.
Genome position (GRCh38, 1-based): chr19:38,561,146, G>C. VCF-style: chr19-38561146-G-C. GRCh37 (hg19) VCF-style: chr19-39051786-G-C.
Other names: c.12316G>C (NM_000540.2); c.12301G>C, p.Glu4101Gln (NM_001042723.2); short protein forms E4106Q, E4101Q.
Identifiers: ClinVar variation 1524348 (VCV001524348.8), dbSNP rs1013258657, ClinGen allele CA308105572.

ClinVar aggregate classification (germline): Uncertain significance. Review status: criteria provided, multiple submitters, no conflicts (2 of 4 stars). 3 submissions from 3 submitters: Uncertain significance (3). Last evaluated 2024-10-16.

Conditions:
RYR1-related disorder. Also called: RYR1-related disorders; RYR1-related condition. Identifiers: MedGen CN239331.
Inborn genetic diseases. Identifiers: MedGen C0950123, MeSH D030342.

Allele frequency attached by ClinVar (database versions not stated): TOPMed below 0.00001.
gnomAD v4.1: 2 of 1,614,130 alleles (0.00012%); highest among the groups gnomAD compares: Non-Finnish European, 0.00017%; no homozygotes.

Submissions (3):

PreventionGenetics, part of Exact Sciences
Classification: Uncertain significance for RYR1-related condition. Last evaluated: 2024-10-16. Review status: criteria provided, single submitter. Criteria: ACMG Guidelines, 2015. Collection method: clinical testing. Allele origin: germline.
Comment: The RYR1 c.12316G>C variant is predicted to result in the amino acid substitution p.Glu4106Gln. To our knowledge, this variant has not been reported in the literature or in a large population database (gnomAD), indicating this variant is rare. At this time, the clinical significance of this variant is uncertain due to the absence of conclusive functional and genetic evidence.

Ambry Genetics
Classification: Uncertain significance for Inborn genetic diseases. Last evaluated: 2024-04-09. Review status: criteria provided, single submitter. Criteria: Ambry Variant Classification Scheme 2023. Collection method: clinical testing. Allele origin: germline.

Labcorp Genetics (formerly Invitae), Labcorp
Classification: Uncertain significance for RYR1-related disorder. Last evaluated: 2022-03-14. Review status: criteria provided, single submitter. Criteria: Invitae Variant Classification Sherloc (09022015). Collection method: clinical testing. Allele origin: germline.
Comment: This variant has not been reported in the literature in individuals affected with RYR1-related conditions. In summary, the available evidence is currently insufficient to determine the role of this variant in disease. Therefore, it has been classified as a Variant of Uncertain Significance. Advanced modeling of protein sequence and biophysical properties (such as structural, functional, and spatial information, amino acid conservation, physicochemical variation, residue mobility, and thermodynamic stability) performed at Invitae indicates that this missense variant is not expected to disrupt RYR1 protein function. This variant is not present in population databases (gnomAD no frequency). This sequence change replaces glutamic acid, which is acidic and polar, with glutamine, which is neutral and polar, at codon 4106 of the RYR1 protein (p.Glu4106Gln).